The following is an entry in ClinVar:

NM_033409.4(SLC52A3):c.1265G>A (p.Arg422His)

Gene: SLC52A3 (solute carrier family 52 member 3; minus strand). Cytogenetic location: 20p13.
Variant type: single nucleotide variant.
Coding change: c.1265G>A on transcript NM_033409.4 (MANE Select); coding-DNA position 1265, G replaced by A.
Protein change: p.Arg422His; replaces arginine 422 with histidine.
Molecular consequence: missense variant.
Genome position (GRCh38, 1-based): chr20:761,171, C>T on the plus strand (G>A on the coding strand, the complement: SLC52A3 is on the minus strand). VCF-style: chr20-761171-C-T. GRCh37 (hg19) VCF-style: chr20-741815-C-T.
Other names: c.1265G>A, p.Arg422His (NM_001370085.1, NM_001370086.1); short protein forms R422H.
Identifiers: ClinVar variation 1054935 (VCV001054935.8), dbSNP rs200665228, ClinGen allele CA407961995.

ClinVar aggregate classification (germline): Uncertain significance (1 of 4 stars; one submission).

Conditions:
Brown-Vialetto-van Laere syndrome 1. Also called: BROWN-VIALETTO-VAN LAERE SYNDROME 1, MILD; BULBAR PALSY, PROGRESSIVE, WITH SENSORINEURAL DEAFNESS; PONTOBULBAR PALSY WITH DEAFNESS. Identifiers: Orphanet 572550, Orphanet 97229, MedGen C0796274, MONDO:0024537, OMIM 211530.

Allele frequency attached by ClinVar (database versions not stated): gnomAD 0.00001; gnomAD exomes 0.00001.
gnomAD v4.1: 20 of 1,573,390 alleles (0.0013%); highest among the groups gnomAD compares: Non-Finnish European, 0.0014%; no homozygotes.

Submission:

Labcorp Genetics (formerly Invitae), Labcorp
Classification: Uncertain significance for Brown-Vialetto-van Laere syndrome 1. Last evaluated: 2022-11-01. Review status: criteria provided, single submitter. Criteria: Invitae Variant Classification Sherloc (09022015). Collection method: clinical testing. Allele origin: germline.
Comment: In summary, the available evidence is currently insufficient to determine the role of this variant in disease. Therefore, it has been classified as a Variant of Uncertain Significance. Advanced modeling of protein sequence and biophysical properties (such as structural, functional, and spatial information, amino acid conservation, physicochemical variation, residue mobility, and thermodynamic stability) performed at Invitae indicates that this missense variant is not expected to disrupt SLC52A3 protein function. ClinVar contains an entry for this variant (Variation ID: 1054935). This variant has not been reported in the literature in individuals affected with SLC52A3-related conditions. This variant is present in population databases (no rsID available, gnomAD 0.001%). This sequence change replaces arginine, which is basic and polar, with histidine, which is basic and polar, at codon 422 of the SLC52A3 protein (p.Arg422His).